The following is an entry in ClinVar:

NM_005876.5(SPEG):c.6728C>G (p.Thr2243Arg)

Genes: ASIC4-AS1 (ASIC4 antisense RNA 1; minus strand), SPEG (striated muscle enriched protein kinase; plus strand). Cytogenetic location: 2q35.
Variant type: single nucleotide variant.
Coding change: c.6728C>G on transcript NM_005876.5 (MANE Select); coding-DNA position 6728, C replaced by G.
Protein change: p.Thr2243Arg; replaces threonine 2243 with arginine.
Molecular consequence: missense variant.
Genome position (GRCh38, 1-based): chr2:219,484,191, C>G. VCF-style: chr2-219484191-C-G. GRCh37 (hg19) VCF-style: chr2-220348913-C-G.
Other names: c.6728C>G (NM_005876.4); short protein forms T2243R.
Identifiers: ClinVar variation 3685757 (VCV003685757.3).

ClinVar aggregate classification (germline): Uncertain significance. Review status: criteria provided, multiple submitters, no conflicts (2 of 4 stars). 2 submissions from 2 submitters: Uncertain significance (2). Last evaluated 2025-10-07.

Conditions:
Inborn genetic diseases. Identifiers: MedGen C0950123, MeSH D030342.

gnomAD v4.1: 8 of 1,612,688 alleles (0.0005%); highest among the groups gnomAD compares: Middle Eastern, 0.016%; no homozygotes.

Submissions (2):

Ambry Genetics
Classification: Uncertain significance for Inborn genetic diseases. Last evaluated: 2025-10-07. Review status: criteria provided, single submitter. Criteria: Ambry Variant Classification Scheme 2023. Collection method: clinical testing. Allele origin: germline.

Labcorp Genetics (formerly Invitae), Labcorp
Classification: Uncertain significance. Last evaluated: 2024-09-26. Review status: criteria provided, single submitter. Criteria: Invitae Variant Classification Sherloc (09022015). Collection method: clinical testing. Allele origin: germline.
Comment: This sequence change replaces threonine, which is neutral and polar, with arginine, which is basic and polar, at codon 2243 of the SPEG protein (p.Thr2243Arg). This variant is present in population databases (rs765353394, gnomAD 0.002%). This variant has not been reported in the literature in individuals affected with SPEG-related conditions. An algorithm developed to predict the effect of missense changes on protein structure and function (PolyPhen-2) suggests that this variant is likely to be disruptive. In summary, the available evidence is currently insufficient to determine the role of this variant in disease. Therefore, it has been classified as a Variant of Uncertain Significance.